The following is an entry in ClinVar:

ClinVar aggregate classification (germline): Conflicting classifications of pathogenicity. Review status: criteria provided, conflicting classifications (1 of 4 stars). 2 submissions from 2 submitters: Uncertain significance (1); Likely benign (1). Last evaluated 2023-03-23.

Conditions:
Hereditary cancer-predisposing syndrome. Also called: Hereditary Cancer Syndrome; Hereditary neoplastic syndrome; Tumor predisposition; Neoplastic Syndromes, Hereditary. Identifiers: Orphanet 140162, MedGen C0027672, MeSH D009386, MONDO:0015356.
Hereditary breast ovarian cancer syndrome. Also called: Hereditary breast and ovarian cancer syndrome (HBOC); BRCA1- and BRCA2-Associated Hereditary Breast and Ovarian Cancer; Hereditary breast and/or ovarian cancer syndrome; Hereditary breast and ovarian cancer; Breast and ovarian cancer; Hereditary breast and ovarian cancer syndrome. Identifiers: Orphanet 145, MedGen C0677776, MeSH D061325, MONDO:0003582. Disease mechanism: loss of function.

Allele frequency attached by ClinVar (database versions not stated): gnomAD exomes below 0.00001.
gnomAD v4.1: 1 of 1,609,034 alleles (0.000062%); highest among the groups gnomAD compares: Non-Finnish European, 0.000085%; no homozygotes.

Submissions (2):

University of Washington Department of Laboratory Medicine, University of Washington
Classification: Likely benign for Hereditary cancer-predisposing syndrome. Last evaluated: 2023-03-23. Review status: criteria provided, single submitter. Criteria: Dines et al. (Genet Med. 2020). Collection method: curation. Allele origin: germline.
Comment: Missense variant in a coldspot region where missense variants are very unlikely to be pathogenic (PMID:31911673).

BRCA2 exon 11 coldspot. Reclassification based on statistical prior probability.

Labcorp Genetics (formerly Invitae), Labcorp
Classification: Uncertain significance for Hereditary breast ovarian cancer syndrome. Last evaluated: 2022-02-25. Review status: criteria provided, single submitter. Criteria: Invitae Variant Classification Sherloc (09022015). Collection method: clinical testing. Allele origin: germline.
Comment: In summary, the available evidence is currently insufficient to determine the role of this variant in disease. Therefore, it has been classified as a Variant of Uncertain Significance. Advanced modeling of protein sequence and biophysical properties (such as structural, functional, and spatial information, amino acid conservation, physicochemical variation, residue mobility, and thermodynamic stability) performed at Invitae indicates that this missense variant is not expected to disrupt BRCA2 protein function. This sequence change replaces aspartic acid, which is acidic and polar, with valine, which is neutral and non-polar, at codon 2202 of the BRCA2 protein (p.Asp2202Val). This variant is not present in population databases (gnomAD no frequency). This variant has not been reported in the literature in individuals affected with BRCA2-related conditions.

NM_000059.4(BRCA2):c.6605A>T (p.Asp2202Val)

Gene: BRCA2 (BRCA2 DNA repair associated; plus strand). Cytogenetic location: 13q13.1.
Variant type: single nucleotide variant.
Coding change: c.6605A>T on transcript NM_000059.4 (MANE Select); coding-DNA position 6605, A replaced by T.
Protein change: p.Asp2202Val; replaces aspartic acid 2202 with valine.
Molecular consequence: missense variant.
Genome position (GRCh38, 1-based): chr13:32,340,960, A>T. VCF-style: chr13-32340960-A-T. GRCh37 (hg19) VCF-style: chr13-32915097-A-T.
Other names: c.6605A>T, p.Asp2202Val (NM_001406719.1, NM_001406720.1); short protein forms D2202V.
Identifiers: ClinVar variation 1960113 (VCV001960113.7), dbSNP rs2137528989, ClinGen allele CA387790120.